The following is an entry in ClinVar:

NM_001040142.2(SCN2A):c.2437A>G (p.Met813Val)

Gene: SCN2A (sodium voltage-gated channel alpha subunit 2; plus strand). Cytogenetic location: 2q24.3.
Variant type: single nucleotide variant.
Coding change: c.2437A>G on transcript NM_001040142.2 (MANE Select); coding-DNA position 2437, A replaced by G.
Protein change: p.Met813Val; replaces methionine 813 with valine.
Molecular consequence: missense variant.
Genome position (GRCh38, 1-based): chr2:165,342,344, A>G. VCF-style: chr2-165342344-A-G. GRCh37 (hg19) VCF-style: chr2-166198854-A-G.
Other names: c.2437A>G, p.Met813Val (NM_001040143.2, NM_001371246.1, NM_001371247.1 and 1 more transcripts); short protein forms M813V.
Identifiers: ClinVar variation 3752899 (VCV003752899.2).
Genomic context (GRCh38, chr2:165,342,344, plus strand): 5'-CTTCTCATTTAGGTCTTCACAGGGATCTTCACAGCAGAAATGTTTCTCAAGATAATTGCC[A>G]TGGATCCATATTATTACTTTCAAGAAGGCTGGAATATTTTTGATGGTTTTATTGTGAGCC-3'
Protein context (NP_001035232.1, residues 803-823): TAEMFLKIIA[Met813Val]DPYYYFQEGW

ClinVar aggregate classification (germline): Uncertain significance (1 of 4 stars; one submission).

Conditions:
Developmental and epileptic encephalopathy, 11 (DEE11). Also called: Early infantile epileptic encephalopathy 11. Identifiers: Orphanet 1934, MedGen C3150987, MONDO:0013388, OMIM 613721.
Seizures, benign familial infantile, 3 (BFIS3). Also called: CONVULSIONS, BENIGN FAMILIAL INFANTILE, 3; Familial neonatal seizures. Identifiers: Orphanet 140927, Orphanet 306, MedGen C1843140, MONDO:0011904, OMIM 607745.

gnomAD v4.1: 2 of 1,613,230 alleles (0.00012%); highest among the groups gnomAD compares: Non-Finnish European, 0.000085%; no homozygotes.

Submission:

Labcorp Genetics (formerly Invitae), Labcorp
Classification: Uncertain significance for Seizures, benign familial infantile, 3; Developmental and epileptic encephalopathy, 11. Last evaluated: 2024-05-23. Review status: criteria provided, single submitter. Criteria: Invitae Variant Classification Sherloc (09022015). Collection method: clinical testing. Allele origin: germline.
Comment: This sequence change replaces methionine, which is neutral and non-polar, with valine, which is neutral and non-polar, at codon 813 of the SCN2A protein (p.Met813Val). This variant is not present in population databases (gnomAD no frequency). This variant has not been reported in the literature in individuals affected with SCN2A-related conditions. Advanced modeling of protein sequence and biophysical properties (such as structural, functional, and spatial information, amino acid conservation, physicochemical variation, residue mobility, and thermodynamic stability) performed at Invitae indicates that this missense variant is expected to disrupt SCN2A protein function with a positive predictive value of 95%. In summary, the available evidence is currently insufficient to determine the role of this variant in disease. Therefore, it has been classified as a Variant of Uncertain Significance.